The following is an entry in ClinVar:

NM_001271938.2(MEGF8):c.6200G>A (p.Cys2067Tyr)

Gene: MEGF8 (multiple EGF like domains 8; plus strand). Cytogenetic location: 19q13.2.
Variant type: single nucleotide variant.
Coding change: c.6200G>A on transcript NM_001271938.2 (MANE Select); coding-DNA position 6200, G replaced by A.
Protein change: p.Cys2067Tyr; replaces cysteine 2067 with tyrosine.
Molecular consequence: missense variant.
Genome position (GRCh38, 1-based): chr19:42,363,189, G>A. VCF-style: chr19-42363189-G-A. GRCh37 (hg19) VCF-style: chr19-42867341-G-A.
Other names: c.5999G>A, p.Cys2000Tyr (NM_001410.3); short protein forms C2067Y, C2000Y.
Identifiers: ClinVar variation 2007459 (VCV002007459.4), dbSNP rs2514330715, ClinGen allele CA406130517.

ClinVar aggregate classification (germline): Uncertain significance (1 of 4 stars; one submission).

Conditions:
MEGF8-related Carpenter syndrome. Also called: Carpenter syndrome 2. Identifiers: Orphanet 65759, MedGen C3554247, MONDO:0013998, OMIM 614976.

Submission:

Labcorp Genetics (formerly Invitae), Labcorp
Classification: Uncertain significance for MEGF8-related Carpenter syndrome. Last evaluated: 2022-06-17. Review status: criteria provided, single submitter. Criteria: Invitae Variant Classification Sherloc (09022015). Collection method: clinical testing. Allele origin: germline.
Comment: This variant has not been reported in the literature in individuals affected with MEGF8-related conditions. This variant is not present in population databases (gnomAD no frequency). Algorithms developed to predict the effect of missense changes on protein structure and function are either unavailable or do not agree on the potential impact of this missense change (SIFT: "Deleterious"; PolyPhen-2: "Probably Damaging"; Align-GVGD: "Class C0"). This sequence change replaces cysteine, which is neutral and slightly polar, with tyrosine, which is neutral and polar, at codon 2000 of the MEGF8 protein (p.Cys2000Tyr). In summary, the available evidence is currently insufficient to determine the role of this variant in disease. Therefore, it has been classified as a Variant of Uncertain Significance.